The following is an entry in ClinVar:

ClinVar aggregate classification (germline): Uncertain significance (1 of 4 stars; one submission).

Submission:

GeneDx
Classification: Uncertain significance. Last evaluated: 2026-06-24. Review status: criteria provided, single submitter. Criteria: GeneDx Variant Classification Process June 2021. Collection method: clinical testing. Allele origin: germline.
Comment: Not observed at significant frequency in large population cohorts (gnomAD); In silico analysis supports that this missense variant has a deleterious effect on protein structure/function; Has not been previously published as pathogenic or benign to our knowledge

NM_021072.4(HCN1):c.1467C>G (p.Ser489Arg)

Gene: HCN1 (hyperpolarization activated cyclic nucleotide gated potassium channel 1; minus strand). Cytogenetic location: 5p12.
Variant type: single nucleotide variant.
Coding change: c.1467C>G on transcript NM_021072.4 (MANE Select); coding-DNA position 1467, C replaced by G.
Protein change: p.Ser489Arg; replaces serine 489 with arginine.
Molecular consequence: missense variant.
Genome position (GRCh38, 1-based): chr5:45,303,750, G>C on the plus strand (C>G on the coding strand, the complement: HCN1 is on the minus strand). VCF-style: chr5-45303750-G-C. GRCh37 (hg19) VCF-style: chr5-45303852-G-C.
Other names: short protein forms S489R.
Identifiers: ClinVar variation 4532709 (VCV004532709.2).